The following is an entry in ClinVar:

ClinVar aggregate classification (germline): Uncertain significance (1 of 4 stars; one submission).

Submission:

GeneDx
Classification: Uncertain significance. Last evaluated: 2024-04-17. Review status: criteria provided, single submitter. Criteria: GeneDx Variant Classification Process June 2021. Collection method: clinical testing. Allele origin: germline. Affected: yes.
Comment: Not observed at significant frequency in large population cohorts (gnomAD); In silico analysis supports that this missense variant has a deleterious effect on protein structure/function; Has not been previously published as pathogenic or benign to our knowledge

NM_015001.3(SPEN):c.4325C>T (p.Pro1442Leu)

Gene: SPEN (spen family transcriptional repressor; plus strand). Cytogenetic location: 1p36.13.
Variant type: single nucleotide variant.
Coding change: c.4325C>T on transcript NM_015001.3 (MANE Select); coding-DNA position 4325, C replaced by T.
Protein change: p.Pro1442Leu; replaces proline 1442 with leucine.
Molecular consequence: missense variant.
Genome position (GRCh38, 1-based): chr1:15,930,565, C>T. VCF-style: chr1-15930565-C-T. GRCh37 (hg19) VCF-style: chr1-16257060-C-T.
Other names: short protein forms P1442L.
Identifiers: ClinVar variation 3372624 (VCV003372624.1).
Genomic context (GRCh38, chr1:15,930,565, plus strand): 5'-TCTCTAGTTCTTTAGAAAGGAACAAATTTTACTCTTTTGCATTGGATAAGACAATCACAC[C>T]AGACACTAAAGCTTTGCTTGAAAGAGCTAAATCCCTCTCTTCATCTCGTGAAGAAAATTG-3'
Protein context (NP_055816.2, residues 1432-1452): YSFALDKTIT[Pro1442Leu]DTKALLERAK